The following is an entry in ClinVar:

ClinVar aggregate classification (germline): Likely pathogenic. Review status: criteria provided, multiple submitters, no conflicts (2 of 4 stars). 2 submissions from 2 submitters: Likely pathogenic (2). Last evaluated 2025-04-10.

Conditions:
CHARGE syndrome (CHARGE). Also called: Hittner Hirsch Kreh syndrome; CHARGE ASSOCIATION--COLOBOMA, HEART ANOMALY, CHOANAL ATRESIA, RETARDATION, GENITAL AND EAR ANOMALIES; Coloboma, heart anomaly, choanal atresia, retardation, genital and ear anomalies; CHARGE association; Hall-Hittner syndrome. Identifiers: Orphanet 138, MedGen C0265354, MONDO:0008965.

Submissions (2):

3billion
Classification: Likely pathogenic for CHD7-related CHARGE syndrome. Last evaluated: 2025-04-10. Review status: criteria provided, single submitter. Criteria: ACMG Guidelines, 2015. Collection method: clinical testing. Allele origin: germline. Affected: yes.

GeneDx
Classification: Likely pathogenic. Last evaluated: 2024-02-13. Review status: criteria provided, single submitter. Criteria: GeneDx Variant Classification Process June 2021. Collection method: clinical testing. Allele origin: germline. Affected: yes.
Comment: Frameshift variant predicted to result in protein truncation, as the last 305 amino acids are replaced with 15 different amino acids, and other loss-of-function variants have been reported downstream in HGMD.; Not observed at significant frequency in large population cohorts (gnomAD); This variant is associated with the following publications: (PMID: 21158681)

Literature cited by the submitters: PubMed 21158681 (cited by 3billion).

NM_017780.4(CHD7):c.8078del

Gene: CHD7 (chromodomain helicase DNA binding protein 7; plus strand). Cytogenetic location: 8q12.2.
Variant type: Deletion.
Coding change: c.8078del on transcript NM_017780.4 (MANE Select); coding-DNA position 8078, one base deleted (G; older notation c.8078delG).
Molecular consequence: splice acceptor variant.
Genome position (GRCh38, 1-based): chr8:60,865,017, G deleted; the last of 3 consecutive G bases (chr8:60,865,015-60,865,017); deleting any one gives the same sequence. VCF-style (leftmost placement, unchanged base first): chr8-60865014-AG-A. GRCh37 (hg19) VCF-style: chr8-61777573-AG-A.
Identifiers: ClinVar variation 3338890 (VCV003338890.2).